The following is an entry in ClinVar:

NC_000004.11:g.(93511438_94006145)_(94032105_94128554)del

Gene: GRID2 (glutamate ionotropic receptor delta type subunit 2; plus strand). Cytogenetic location: 4q22.1-22.2.
Variant type: Deletion.
Identifiers: ClinVar variation 1723284 (VCV001723284.1).

ClinVar aggregate classification (germline): Pathogenic (1 of 4 stars; one submission).

Conditions:
Autosomal recessive spinocerebellar ataxia 18. Identifiers: Orphanet 363432, MedGen C4015505, MONDO:0014530, OMIM 616204.

Submission:

Women's Health and Genetics/Laboratory Corporation of America, LabCorp
Classification: Pathogenic for Autosomal recessive spinocerebellar ataxia 18. Last evaluated: 2022-10-11. Review status: criteria provided, single submitter. Criteria: LabCorp Variant Classification Summary - May 2015. Collection method: clinical testing. Allele origin: germline.
Comment: Variant summary: The variant identified by MLPA or other technology involves the deletion of exons 3-4 in the GRID2 gene. A presumed nomenclature of c.(244+1_245-1)_(735+1_736-1)del has been designated for the purposes of this classification. Although exact breakpoints of this deletion are not known, it is expected to result in a frameshift deletion in the GRID2 gene, a known mechanism of disease. The variant was absent in 21694 control chromosomes. c.(244+1_245-1)_(735+1_736-1)del has been reported in the literature in multiple individuals affected with Autosomal Recessive Spinocerebellar Ataxia 18 or related brain disorder. These data indicate that the variant is very likely to be associated with disease. To our knowledge, no experimental evidence demonstrating an impact on protein function has been reported. One clinical diagnostic laboratory has submitted clinical-significance assessments for this variant to ClinVar after 2014 without evidence for independent evaluation and classified the variant as pathogenic. Based on the evidence outlined above, the variant was classified as pathogenic.

Literature cited by the submitters: PubMed 27980096; PubMed 23611888.